The following is an entry in ClinVar:

ClinVar aggregate classification (germline): Benign. Review status: criteria provided, multiple submitters, no conflicts (2 of 4 stars). 11 submissions from 11 submitters: Benign (6). 5 of the submissions do not count toward it. Last evaluated 2026-02-04.

Conditions:
Neuronal ceroid lipofuscinosis. Also called: Neuronal Ceroid Lipofuscinoses. Identifiers: Orphanet 216, Orphanet 79263, MedGen C0027877, MONDO:0016295. Disease mechanism: loss of function.

Allele frequency attached by ClinVar (database versions not stated): TOPMed 0.05798; gnomAD 0.05807 and 0.05638; ExAC 0.05854; gnomAD exomes 0.03788; ESP Exome Variant Server 0.04541; 1000 Genomes Project 0.06210; 1000 Genomes Project 30x 0.06543.
gnomAD v4.1: 43,535 of 1,541,536 alleles (2.8%); highest among the groups gnomAD compares: African/African-American, 13%; 1,184 homozygotes.

Submissions (11):

Labcorp Genetics (formerly Invitae), Labcorp
Classification: Benign for Neuronal ceroid lipofuscinosis. Last evaluated: 2026-02-04. Review status: criteria provided, single submitter. Criteria: Invitae Variant Classification Sherloc (09022015). Collection method: clinical testing. Allele origin: germline.

Women's Health and Genetics/Laboratory Corporation of America, LabCorp
Classification: Benign. Last evaluated: 2022-07-12. Review status: criteria provided, single submitter. Criteria: LabCorp Variant Classification Summary - May 2015. Collection method: clinical testing. Allele origin: germline.

Eurofins Ntd Llc (ga)
Classification: Benign. Last evaluated: 2013-07-03. Review status: criteria provided, single submitter. Criteria: EGL Classification Definitions 2015. Collection method: clinical testing. Allele origin: germline. Observed: 2 variant alleles, 2 heterozygotes.

GeneDx
Classification: Benign. Last evaluated: 2012-03-19. Review status: criteria provided, single submitter. Criteria: GeneDx Variant Classification (06012015). Collection method: clinical testing. Allele origin: germline. Affected: yes.
Comment: This variant is considered likely benign or benign based on one or more of the following criteria: it is a conservative change, it occurs at a poorly conserved position in the protein, it is predicted to be benign by multiple in silico algorithms, and/or has population frequency not consistent with disease.

Breakthrough Genomics
Classification: Benign. Review status: criteria provided, single submitter. Criteria: ACMG Guidelines, 2015. Collection method: not provided. Allele origin: germline. Inheritance: Autosomal recessive inheritance. Affected: yes.

PreventionGenetics, part of Exact Sciences
Classification: Benign. Review status: criteria provided, single submitter. Criteria: ACMG Guidelines, 2015. Collection method: clinical testing. Allele origin: germline.

Mayo Clinic Laboratories, Mayo Clinic
Classification: Benign. Last evaluated: 2015-10-19. Review status: no assertion criteria provided. Collection method: clinical testing. Allele origin: unknown. Not counted in ClinVar's aggregate classification.

Clinical Genetics DNA and cytogenetics Diagnostics Lab, Erasmus MC, Erasmus Medical Center
Classification: Benign. Review status: no assertion criteria provided. Collection method: clinical testing. Allele origin: germline. Affected: yes. Study: VKGL Data-share Consensus. Not counted in ClinVar's aggregate classification.

Genome Diagnostics Laboratory, Amsterdam University Medical Center
Classification: Benign. Review status: no assertion criteria provided. Collection method: clinical testing. Allele origin: germline. Affected: yes. Study: VKGL Data-share Consensus. Not counted in ClinVar's aggregate classification.

Genome Diagnostics Laboratory, University Medical Center Utrecht
Classification: Benign. Review status: no assertion criteria provided. Collection method: clinical testing. Allele origin: germline. Affected: yes. Study: VKGL Data-share Consensus. Not counted in ClinVar's aggregate classification.

Joint Genome Diagnostic Labs from Nijmegen and Maastricht, Radboudumc and MUMC+
Classification: Benign. Review status: no assertion criteria provided. Collection method: clinical testing. Allele origin: germline. Affected: yes. Study: VKGL Data-share Consensus. Not counted in ClinVar's aggregate classification.

NM_006493.4(CLN5):c.173+18C>T

Genes: CLN5 (CLN5 lysosomal BMP synthase; plus strand), LOC130009913 (ATAC-STARR-seq lymphoblastoid silent region 5414; plus strand). Cytogenetic location: 13q22.3.
Variant type: single nucleotide variant.
Coding change: c.173+18C>T on transcript NM_006493.4 (MANE Select); 18 bases into the intron after coding-DNA position 173, C replaced by T.
Molecular consequence: intron variant.
Genome position (GRCh38, 1-based): chr13:76,992,289, C>T. VCF-style: chr13-76992289-C-T. GRCh37 (hg19) VCF-style: chr13-77566424-C-T.
Other names: c.320+18C>T (LRG_692t1); c.173+18C>T (NM_001366624.2).
Identifiers: ClinVar variation 95397 (VCV000095397.22), dbSNP rs112141862, ClinGen allele CA148515.